The following is an entry in ClinVar:

ClinVar aggregate classification (germline): Uncertain significance. Review status: criteria provided, multiple submitters, no conflicts (2 of 4 stars). 3 submissions from 3 submitters: Uncertain significance (3). Last evaluated 2026-08-25.

Conditions:
RIPOR2-related disorder. Also called: RIPOR2-related condition.

gnomAD v4.1: 129 of 1,551,994 alleles (0.0083%); highest among the groups gnomAD compares: Non-Finnish European, 0.011%; no homozygotes.

Submissions (3):

PreventionGenetics, part of Exact Sciences
Classification: Uncertain significance for RIPOR2-related condition. Last evaluated: 2026-08-25. Review status: criteria provided, single submitter. Criteria: ACMG Guidelines, 2015. Collection method: clinical testing. Allele origin: germline.
Comment: The RIPOR2 c.2302G>A variant is predicted to result in the amino acid substitution p.Val768Met. To our knowledge, this variant has not been reported in the literature. This variant is reported in 0.0081% of alleles in individuals of European (Non-Finnish) descent in gnomAD. At this time, the clinical significance of this variant is uncertain due to the absence of conclusive functional and genetic evidence.

Labcorp Genetics (formerly Invitae), Labcorp
Classification: Uncertain significance. Last evaluated: 2025-06-15. Review status: criteria provided, single submitter. Criteria: Invitae Variant Classification Sherloc (09022015). Collection method: clinical testing. Allele origin: germline.
Comment: This sequence change replaces valine, which is neutral and non-polar, with methionine, which is neutral and non-polar, at codon 768 of the FAM65B protein (p.Val768Met). This variant is present in population databases (rs369017382, gnomAD 0.009%). This variant has not been reported in the literature in individuals affected with FAM65B-related conditions. ClinVar contains an entry for this variant (Variation ID: 3764280). An algorithm developed to predict the effect of missense changes on protein structure and function (PolyPhen-2) suggests that this variant is likely to be tolerated. In summary, the available evidence is currently insufficient to determine the role of this variant in disease. Therefore, it has been classified as a Variant of Uncertain Significance.

GeneDx
Classification: Uncertain significance. Last evaluated: 2024-08-19. Review status: criteria provided, single submitter. Criteria: GeneDx Variant Classification Process June 2021. Collection method: clinical testing. Allele origin: germline. Affected: yes.
Comment: In silico analysis indicates that this missense variant does not alter protein structure/function; Has not been previously published as pathogenic or benign to our knowledge; Variants in candidate genes are classified as variants of uncertain significance in accordance with ACMG guidelines (PMID: 25741868)

NM_001286445.3(RIPOR2):c.2239G>A (p.Val747Met)

Gene: RIPOR2 (RHO family interacting cell polarization regulator 2; minus strand). Cytogenetic location: 6p22.3.
Variant type: single nucleotide variant.
Coding change: c.2239G>A on transcript NM_001286445.3 (MANE Select); coding-DNA position 2239, G replaced by A.
Protein change: p.Val747Met; replaces valine 747 with methionine.
Molecular consequence: missense variant.
Genome position (GRCh38, 1-based): chr6:24,832,361, C>T on the plus strand (G>A on the coding strand, the complement: RIPOR2 is on the minus strand). VCF-style: chr6-24832361-C-T. GRCh37 (hg19) VCF-style: chr6-24832589-C-T.
Other names: c.2152G>A, p.Val718Met (NM_001346031.2, NM_001346032.2); c.2302G>A, p.Val768Met (NM_014722.5); c.2302G>A (NM_014722.4); short protein forms V718M, V747M, V768M.
Identifiers: ClinVar variation 3764280 (VCV003764280.3).